The following is an entry in ClinVar:

NM_001291415.2(KDM6A):c.3992G>A (p.Arg1331Gln)

Gene: KDM6A (lysine demethylase 6A; plus strand). Cytogenetic location: Xp11.3.
Variant type: single nucleotide variant.
Coding change: c.3992G>A on transcript NM_001291415.2 (MANE Select); coding-DNA position 3992, G replaced by A.
Protein change: p.Arg1331Gln; replaces arginine 1331 with glutamine.
Molecular consequence: missense variant. On other transcripts: non-coding transcript variant (1).
Genome position (GRCh38, 1-based): chrX:45,090,822, G>A. VCF-style: chrX-45090822-G-A. GRCh37 (hg19) VCF-style: chrX-44950067-G-A.
Other names: c.3857G>A, p.Arg1286Gln (NM_001291416.2); c.3701G>A, p.Arg1234Gln (NM_001291417.2); c.3599G>A, p.Arg1200Gln (NM_001291418.2); c.2948G>A, p.Arg983Gln (NM_001291421.2); c.3836G>A, p.Arg1279Gln (NM_021140.4); short protein forms R1234Q, R983Q, R1331Q, R1200Q, R1279Q, R1286Q.
Identifiers: ClinVar variation 1483057 (VCV001483057.6), dbSNP rs1473353111, ClinGen allele CA412808548.

ClinVar aggregate classification (germline): Uncertain significance (1 of 4 stars; one submission).

Conditions:
Kabuki syndrome 2 (KABUK2). Also called: KDM6A-Related Kabuki Syndrome. Identifiers: Orphanet 2322, MedGen C3275495, MONDO:0010465, OMIM 300867.

Allele frequency attached by ClinVar (database versions not stated): gnomAD exomes 0.00001; TOPMed 0.00001.
gnomAD v4.1: 7 of 1,209,736 alleles (0.00058%); highest among the groups gnomAD compares: African/African-American, 0.0017%; no homozygotes.

Submission:

Labcorp Genetics (formerly Invitae), Labcorp
Classification: Uncertain significance for Kabuki syndrome 2. Last evaluated: 2022-10-25. Review status: criteria provided, single submitter. Criteria: Invitae Variant Classification Sherloc (09022015). Collection method: clinical testing. Allele origin: germline.
Comment: Advanced modeling of protein sequence and biophysical properties (such as structural, functional, and spatial information, amino acid conservation, physicochemical variation, residue mobility, and thermodynamic stability) performed at Invitae indicates that this missense variant is expected to disrupt KDM6A protein function. In summary, the available evidence is currently insufficient to determine the role of this variant in disease. Therefore, it has been classified as a Variant of Uncertain Significance. ClinVar contains an entry for this variant (Variation ID: 1483057). This sequence change replaces arginine, which is basic and polar, with glutamine, which is neutral and polar, at codon 1279 of the KDM6A protein (p.Arg1279Gln). This variant is present in population databases (no rsID available, gnomAD 0.002%), including at least one homozygous and/or hemizygous individual. This variant has not been reported in the literature in individuals affected with KDM6A-related conditions.